The following is an entry in ClinVar:

NM_000289.6(PFKM):c.1191+1G>A

Gene: PFKM (phosphofructokinase, muscle; plus strand). Cytogenetic location: 12q13.11.
Variant type: single nucleotide variant.
Coding change: c.1191+1G>A on transcript NM_000289.6 (MANE Select); the canonical splice donor site of the intron after coding-DNA position 1191, G replaced by A.
Molecular consequence: splice donor variant.
Genome position (GRCh38, 1-based): chr12:48,139,913, G>A. VCF-style: chr12-48139913-G-A. GRCh37 (hg19) VCF-style: chr12-48533696-G-A.
Other names: c.1215+1G>A (NM_001354741.2); c.1191+1G>A (NM_001354742.2, NM_001354743.2, NM_001354744.2 and 2 more transcripts); c.1041+1G>A (NM_001354747.2, NM_001354748.2); c.1404+1G>A (NM_001166686.2, NM_001354737.1, NM_001354739.1 and 1 more transcripts); c.1500+1G>A (NM_001354736.1, NM_001354735.1); c.1335+1G>A (NM_001354740.1); c.1104+1G>A (NM_001354745.2); c.1065+1G>A (NM_001354746.2); and 1 more.
Identifiers: ClinVar variation 574183 (VCV000574183.19), dbSNP rs746348793, ClinGen allele CA6537256.

ClinVar aggregate classification (germline): Likely pathogenic. Review status: criteria provided, multiple submitters, no conflicts (2 of 4 stars). 5 submissions from 5 submitters: Likely pathogenic (5). Last evaluated 2025-04-11.

Conditions:
Glycogen storage disease, type VII (GSD7). Also called: GSD VII; MUSCLE PHOSPHOFRUCTOKINASE DEFICIENCY; PFKM DEFICIENCY; TARUI DISEASE. Identifiers: Orphanet 371, MedGen C0017926, MONDO:0009295, OMIM 232800.

Allele frequency attached by ClinVar (database versions not stated): gnomAD 0.00001; gnomAD exomes 0.00001 and 0.00002; ExAC 0.00002; TOPMed 0.00003.
gnomAD v4.1: 28 of 1,604,168 alleles (0.0017%); highest among the groups gnomAD compares: Non-Finnish European, 0.0023%; no homozygotes.

Submissions (5):

Natera, Inc.
Classification: Likely pathogenic for Glycogen storage disease type VII. Last evaluated: 2025-04-11. Review status: criteria provided, single submitter. Criteria: Natera Variant Classification Schema (03/2026). Collection method: clinical testing. Allele origin: germline.
Comment: The c.1191+1G>A variant in PFKM is a canonical splice donor site variant predicted to affect pre-mRNA splicing, which may result in an abnormal transcript and altered protein product. This variant is expected to result in nonsense mediated decay, truncation, or a dysfunctional protein product. This variant is rare in the general population with a frequency below the threshold expected for the associated phenotype(s). Given the available evidence, this variant is classified as Likely Pathogenic.

Fulgent Genetics
Classification: Likely pathogenic for Glycogen storage disease, type VII. Last evaluated: 2024-04-30. Review status: criteria provided, single submitter. Criteria: ACMG Guidelines, 2015. Collection method: clinical testing. Allele origin: germline.

Revvity Omics, Revvity
Classification: Likely pathogenic for Glycogen storage disease, type VII. Last evaluated: 2024-02-26. Review status: criteria provided, single submitter. Criteria: ACMG Guidelines, 2015. Collection method: clinical testing. Allele origin: germline.

Labcorp Genetics (formerly Invitae), Labcorp
Classification: Likely pathogenic for Glycogen storage disease, type VII. Last evaluated: 2023-11-04. Review status: criteria provided, single submitter. Criteria: Invitae Variant Classification Sherloc (09022015). Collection method: clinical testing. Allele origin: germline.
Comment: This sequence change affects a donor splice site in intron 13 of the PFKM gene. It is expected to disrupt RNA splicing. Variants that disrupt the donor or acceptor splice site typically lead to a loss of protein function (PMID: 16199547), and loss-of-function variants in PFKM are known to be pathogenic (PMID: 7825568, 8037209). This variant is present in population databases (rs746348793, gnomAD 0.002%). This variant has not been reported in the literature in individuals affected with PFKM-related conditions. ClinVar contains an entry for this variant (Variation ID: 574183). Algorithms developed to predict the effect of sequence changes on RNA splicing suggest that this variant may disrupt the consensus splice site. In summary, the currently available evidence indicates that the variant is pathogenic, but additional data are needed to prove that conclusively. Therefore, this variant has been classified as Likely Pathogenic.

Women's Health and Genetics/Laboratory Corporation of America, LabCorp
Classification: Likely pathogenic for Glycogen storage disease, type VII. Last evaluated: 2022-09-18. Review status: criteria provided, single submitter. Criteria: LabCorp Variant Classification Summary - May 2015. Collection method: clinical testing. Allele origin: germline.
Comment: Variant summary: PFKM c.1191+1G>A is located in a canonical splice-site and is predicted to affect mRNA splicing resulting in a significantly altered protein due to either exon skipping, shortening, or inclusion of intronic material. 4/4 computational tools predict the variant abolishes a 5' splicing donor site. However, these predictions have yet to be confirmed by functional studies. The variant allele was found at a frequency of 8e-06 in 251028 control chromosomes (gnomAD). To our knowledge, no occurrence of c.1191+1G>A in individuals affected with Glycogen Storage Disease, Type VII and no experimental evidence demonstrating its impact on protein function have been reported. Two ClinVar submitters have assessed the variant since 2014: both classified the variant as likely pathogenic. Based on the evidence outlined above, the variant was classified as likely pathogenic.

Literature cited by the submitters: PubMed 16199547 (cited by Labcorp Genetics (formerly Invitae), Labcorp); PubMed 7825568 (cited by Labcorp Genetics (formerly Invitae), Labcorp); PubMed 8037209 (cited by Labcorp Genetics (formerly Invitae), Labcorp).